The following is an entry in ClinVar:

NM_015346.4(ZFYVE26):c.4024dup (p.Arg1342fs)

Gene: ZFYVE26 (zinc finger FYVE-type containing 26; minus strand). Cytogenetic location: 14q24.1.
Variant type: Duplication.
Coding change: c.4024dup on transcript NM_015346.4 (MANE Select); coding-DNA position 4024, one base duplicated (C; older notation c.4024dupC).
Protein change: p.Arg1342fs; shifts the reading frame from arginine 1342.
Molecular consequence: frameshift variant.
Genome position (GRCh38, 1-based): chr14:67,783,128, G duplicated on the plus strand (C on the coding strand, the reverse complement: ZFYVE26 is on the minus strand); the first of 2 consecutive G bases (chr14:67,783,128-67,783,129); duplicating either gives the same sequence. VCF-style (leftmost placement, unchanged base first): chr14-67783127-C-CG. GRCh37 (hg19) VCF-style: chr14-68249844-C-CG.
Other names: short protein forms R1342fs.
Identifiers: ClinVar variation 5012385 (VCV005012385.1).

ClinVar aggregate classification (germline): Pathogenic (1 of 4 stars; one submission).

Conditions:
Hereditary spastic paraplegia 15 (SPG15). Also called: SPASTIC PARAPLEGIA 15, AUTOSOMAL RECESSIVE; KJELLIN SYNDROME; SPASTIC PARAPLEGIA AND RETINAL DEGENERATION. Identifiers: Orphanet 100996, MedGen C1849128, MONDO:0010044, OMIM 270700.

Submission:

Myriad Genetics, Inc.
Classification: Pathogenic for Hereditary spastic paraplegia 15. Last evaluated: 2023-10-12. Review status: criteria provided, single submitter. Criteria: Myriad Autosomal Dominant, Autosomal Recessive and X-Linked Classification Criteria (2023). Collection method: clinical testing. Allele origin: unknown.
Comment: NM_015346.3(ZFYVE26):c.4024dupC(R1342Pfs*16) is expected to be pathogenic in the context of spastic paraplegia type 15. This variant is predicted to lead to an abnormal or absent protein product due to the creation of a premature termination codon in ZFYVE26, a gene where loss-of-function variants are known to be pathogenic. Please note: this variant was assessed in the context of healthy population screening.